The following is an entry in ClinVar:

ClinVar aggregate classification (germline): Uncertain significance (1 of 4 stars; one submission).

Conditions:
Inborn genetic diseases. Identifiers: MedGen C0950123, MeSH D030342.

gnomAD v4.1: 4 of 1,614,058 alleles (0.00025%); highest among the groups gnomAD compares: African/African-American, 0.004%; no homozygotes.

Submission:

Ambry Genetics
Classification: Uncertain significance for Inborn genetic diseases. Last evaluated: 2025-09-20. Review status: criteria provided, single submitter. Criteria: Ambry Variant Classification Scheme 2023. Collection method: clinical testing. Allele origin: germline.
Comment: The p.Q32P variant (also known as c.95A>C), located in coding exon 1 of the SAMD9L gene, results from an A to C substitution at nucleotide position 95. The glutamine at codon 32 is replaced by proline, an amino acid with similar properties. This amino acid position is conserved. In addition, the in silico prediction for this alteration is inconclusive. Based on the available evidence, the clinical significance of this variant remains unclear.

NM_152703.5(SAMD9L):c.95A>C (p.Gln32Pro)

Gene: SAMD9L (sterile alpha motif domain containing 9 like; minus strand). Cytogenetic location: 7q21.2.
Variant type: single nucleotide variant.
Coding change: c.95A>C on transcript NM_152703.5 (MANE Select); coding-DNA position 95, A replaced by C.
Protein change: p.Gln32Pro; replaces glutamine 32 with proline.
Molecular consequence: missense variant.
Genome position (GRCh38, 1-based): chr7:93,135,877, T>G on the plus strand (A>C on the coding strand, the complement: SAMD9L is on the minus strand). VCF-style: chr7-93135877-T-G. GRCh37 (hg19) VCF-style: chr7-92765190-T-G.
Other names: c.95A>C, p.Gln32Pro (NM_001303496.3, NM_001303497.3, NM_001303498.3 and 5 more transcripts); short protein forms Q32P.
Identifiers: ClinVar variation 4630009 (VCV004630009.1).